The following is an entry in ClinVar:

NM_021828.5(HPSE2):c.957-3C>T

Gene: HPSE2 (heparanase 2 (inactive); minus strand). Cytogenetic location: 10q24.2.
Variant type: single nucleotide variant.
Coding change: c.957-3C>T on transcript NM_021828.5 (MANE Select); 3 bases into the intron before coding-DNA position 957, C replaced by T.
Molecular consequence: intron variant.
Genome position (GRCh38, 1-based): chr10:98,693,950, G>A on the plus strand (C>T on the coding strand, the complement: HPSE2 is on the minus strand). VCF-style: chr10-98693950-G-A. GRCh37 (hg19) VCF-style: chr10-100453707-G-A.
Other names: c.621-3C>T (NM_001166245.1); c.783-3C>T (NM_001166244.1); c.957-3C>T (NM_001166246.1).
Identifiers: ClinVar variation 3029833 (VCV003029833.2), dbSNP rs1172482305, ClinGen allele CA2740093499.

ClinVar aggregate classification (germline): Likely benign (0 of 4 stars; one submission).

Conditions:
HPSE2-related disorder. Also called: HPSE2-related condition.

Submission:

PreventionGenetics, part of Exact Sciences
Classification: Likely benign for HPSE2-related condition. Last evaluated: 2021-10-06. Review status: no assertion criteria provided. Collection method: clinical testing. Allele origin: germline.
Comment: This variant is classified as likely benign based on ACMG/AMP sequence variant interpretation guidelines (Richards et al. 2015 PMID: 25741868, with internal and published modifications).